The following is an entry in ClinVar:

ClinVar aggregate classification (germline): Uncertain significance (1 of 4 stars; one submission).

gnomAD v4.1: 1 of 1,579,726 alleles (0.000063%); highest among the groups gnomAD compares: South Asian, 0.0011%; no homozygotes.

Submission:

Labcorp Genetics (formerly Invitae), Labcorp
Classification: Uncertain significance. Last evaluated: 2024-05-16. Review status: criteria provided, single submitter. Criteria: Invitae Variant Classification Sherloc (09022015). Collection method: clinical testing. Allele origin: germline.
Comment: This sequence change falls in intron 14 of the IL12RB2 gene. It does not directly change the encoded amino acid sequence of the IL12RB2 protein. It affects a nucleotide within the consensus splice site. This variant is present in population databases (no rsID available, gnomAD 0.003%). This variant has not been reported in the literature in individuals affected with IL12RB2-related conditions. Variants that disrupt the consensus splice site are a relatively common cause of aberrant splicing (PMID: 17576681, 9536098). Algorithms developed to predict the effect of sequence changes on RNA splicing suggest that this variant may disrupt the consensus splice site. In summary, the available evidence is currently insufficient to determine the role of this variant in disease. Therefore, it has been classified as a Variant of Uncertain Significance.

Literature cited by the submitters: PubMed 17576681; PubMed 9536098.

NM_001374259.2(IL12RB2):c.1946+5G>C

Gene: IL12RB2 (interleukin 12 receptor subunit beta 2; plus strand). Cytogenetic location: 1p31.3.
Variant type: single nucleotide variant.
Coding change: c.1946+5G>C on transcript NM_001374259.2 (MANE Select); 5 bases into the intron after coding-DNA position 1946, G replaced by C.
Molecular consequence: intron variant.
Genome position (GRCh38, 1-based): chr1:67,386,674, G>C. VCF-style: chr1-67386674-G-C. GRCh37 (hg19) VCF-style: chr1-67852357-G-C.
Other names: c.1946+5G>C (NM_001258214.1, NM_001319233.1, NM_001559.3); c.1855+6551G>C (NM_001258216.1); c.1688+5G>C (NM_001258215.1).
Identifiers: ClinVar variation 2854788 (VCV002854788.3), dbSNP rs1467942596, ClinGen allele CA523293987.